The following is an entry in ClinVar:

ClinVar aggregate classification (germline): Uncertain significance (1 of 4 stars; one submission).

Submission:

Labcorp Genetics (formerly Invitae), Labcorp
Classification: Uncertain significance. Last evaluated: 2025-04-08. Review status: criteria provided, single submitter. Criteria: Invitae Variant Classification Sherloc (09022015). Collection method: clinical testing. Allele origin: germline.
Comment: This sequence change affects codon 648 of the LSR mRNA. It is a 'silent' change, meaning that it does not change the encoded amino acid sequence of the LSR protein. This variant is present in population databases (rs200143066, gnomAD 0.0009%). This variant has not been reported in the literature in individuals affected with LSR-related conditions. Algorithms developed to predict the effect of sequence changes on RNA splicing suggest that this variant may disrupt the consensus splice site. In summary, the available evidence is currently insufficient to determine the role of this variant in disease. Therefore, it has been classified as a Variant of Uncertain Significance.

NM_205834.4(LSR):c.1800C>T (p.Val600=)

Gene: LSR (lipolysis stimulated lipoprotein receptor; plus strand). Cytogenetic location: 19q13.12.
Variant type: single nucleotide variant.
Coding change: c.1800C>T on transcript NM_205834.4 (MANE Select); coding-DNA position 1800, C replaced by T.
Protein change: p.Val600=; no amino-acid change (valine 600 retained).
Molecular consequence: synonymous variant.
Genome position (GRCh38, 1-based): chr19:35,267,853, C>T. VCF-style: chr19-35267853-C-T. GRCh37 (hg19) VCF-style: chr19-35758756-C-T.
Other names: c.1740C>T, p.Val580= (NM_001260489.2); c.1476C>T, p.Val492= (NM_001260490.2); c.1593C>T, p.Val531= (NM_001385215.1); c.1743C>T, p.Val581= (NM_015925.7); c.1596C>T, p.Val532= (NM_205835.4).
Identifiers: ClinVar variation 4807798 (VCV004807798.1).